The following is an entry in ClinVar:

NM_000293.3(PHKB):c.513+2T>A

Gene: PHKB (phosphorylase kinase regulatory subunit beta; plus strand). Cytogenetic location: 16q12.1.
Variant type: single nucleotide variant.
Coding change: c.513+2T>A on transcript NM_000293.3 (MANE Select); the canonical splice donor site of the intron after coding-DNA position 513, T replaced by A.
Molecular consequence: splice donor variant.
Genome position (GRCh38, 1-based): chr16:47,511,774, T>A. VCF-style: chr16-47511774-T-A. GRCh37 (hg19) VCF-style: chr16-47545685-T-A.
Other names: c.513+2T>A (NM_001363837.1); c.492+2T>A (NM_001031835.3).
Identifiers: ClinVar variation 3013019 (VCV003013019.3), dbSNP rs2548341056, ClinGen allele CA396099579.
Genomic context (GRCh38, chr16:47,511,774, plus strand): 5'-TTTTCAATGTGCATACAGGAGATGAGTTGCTTTCCTATGAGGAATATGGTCATCTTCAGG[T>A]AAAAAGAGATTATACATTTTATTCTCCTTATATTATATAGCATAGAACAGTGATCCCCAA-3'

ClinVar aggregate classification (germline): Likely pathogenic (1 of 4 stars; one submission).

Conditions:
Glycogen storage disease IXb (GSD9B). Also called: GLYCOGENOSIS OF LIVER AND MUSCLE, AUTOSOMAL RECESSIVE; GSD IXb; PHOSPHORYLASE KINASE DEFICIENCY OF LIVER AND MUSCLE, AUTOSOMAL RECESSIVE. Identifiers: Orphanet 79240, MedGen C0543514, MONDO:0009868, OMIM 261750.

Submission:

Labcorp Genetics (formerly Invitae), Labcorp
Classification: Likely pathogenic for Glycogen storage disease IXb. Last evaluated: 2024-01-04. Review status: criteria provided, single submitter. Criteria: Invitae Variant Classification Sherloc (09022015). Collection method: clinical testing. Allele origin: germline.
Comment: This sequence change affects a donor splice site in intron 5 of the PHKB gene. It is expected to disrupt RNA splicing. Variants that disrupt the donor or acceptor splice site typically lead to a loss of protein function (PMID: 16199547), and loss-of-function variants in PHKB are known to be pathogenic (PMID: 9215682, 9326319). This variant is not present in population databases (gnomAD no frequency). This variant has not been reported in the literature in individuals affected with PHKB-related conditions. Algorithms developed to predict the effect of sequence changes on RNA splicing suggest that this variant may disrupt the consensus splice site. In summary, the currently available evidence indicates that the variant is pathogenic, but additional data are needed to prove that conclusively. Therefore, this variant has been classified as Likely Pathogenic.

Literature cited by the submitters: PubMed 16199547; PubMed 9215682; PubMed 9326319.